The following is an entry in ClinVar:

ClinVar aggregate classification (germline): Uncertain significance. Review status: criteria provided, multiple submitters, no conflicts (2 of 4 stars). 2 submissions from 2 submitters: Uncertain significance (2). Last evaluated 2021-10-29.

Allele frequency attached by ClinVar (database versions not stated): gnomAD exomes below 0.00001 and 0.00001; ExAC 0.00001; TOPMed 0.00001; gnomAD 0.00005; 1000 Genomes Project 0.00020; 1000 Genomes Project 30x 0.00031.
gnomAD v4.1: 13 of 1,614,098 alleles (0.00081%); highest among the groups gnomAD compares: Middle Eastern, 0.016%; no homozygotes.

Submissions (2):

Labcorp Genetics (formerly Invitae), Labcorp
Classification: Uncertain significance. Last evaluated: 2021-10-29. Review status: criteria provided, single submitter. Criteria: Invitae Variant Classification Sherloc (09022015). Collection method: clinical testing. Allele origin: germline.
Comment: In summary, the available evidence is currently insufficient to determine the role of this variant in disease. Therefore, it has been classified as a Variant of Uncertain Significance. Advanced modeling of protein sequence and biophysical properties (such as structural, functional, and spatial information, amino acid conservation, physicochemical variation, residue mobility, and thermodynamic stability) performed at Invitae indicates that this missense variant is not expected to disrupt SPTBN2 protein function. ClinVar contains an entry for this variant (Variation ID: 448508). This variant has not been reported in the literature in individuals affected with SPTBN2-related conditions. This variant is present in population databases (rs549977438, gnomAD 0.004%). This sequence change replaces arginine, which is basic and polar, with cysteine, which is neutral and slightly polar, at codon 1595 of the SPTBN2 protein (p.Arg1595Cys).

Athena Diagnostics
Classification: Uncertain significance. Last evaluated: 2017-05-10. Review status: criteria provided, single submitter. Criteria: Athena Diagnostics Criteria. Collection method: clinical testing. Allele origin: germline.

NM_006946.4(SPTBN2):c.4783C>T (p.Arg1595Cys)

Gene: SPTBN2 (spectrin beta, non-erythrocytic 2; minus strand). Cytogenetic location: 11q13.2.
Variant type: single nucleotide variant.
Coding change: c.4783C>T on transcript NM_006946.4 (MANE Select); coding-DNA position 4783, C replaced by T.
Protein change: p.Arg1595Cys; replaces arginine 1595 with cysteine.
Molecular consequence: missense variant.
Genome position (GRCh38, 1-based): chr11:66,693,257, G>A on the plus strand (C>T on the coding strand, the complement: SPTBN2 is on the minus strand). VCF-style: chr11-66693257-G-A. GRCh37 (hg19) VCF-style: chr11-66460728-G-A.
Other names: short protein forms R1595C.
Identifiers: ClinVar variation 448508 (VCV000448508.7), dbSNP rs549977438, ClinGen allele CA6128477.